The following is an entry in ClinVar:

NM_005697.5(SCAMP2):c.208A>T (p.Thr70Ser)

Gene: SCAMP2 (secretory carrier membrane protein 2; minus strand). Cytogenetic location: 15q24.1.
Variant type: single nucleotide variant.
Coding change: c.208A>T on transcript NM_005697.5 (MANE Select); coding-DNA position 208, A replaced by T.
Protein change: p.Thr70Ser; replaces threonine 70 with serine.
Molecular consequence: missense variant.
Genome position (GRCh38, 1-based): chr15:74,854,038, T>A on the plus strand (A>T on the coding strand, the complement: SCAMP2 is on the minus strand). VCF-style: chr15-74854038-T-A. GRCh37 (hg19) VCF-style: chr15-75146379-T-A.
Other names: c.208A>T, p.Thr70Ser (NM_001320778.2); short protein forms T70S.
Identifiers: ClinVar variation 2645551 (VCV002645551.24), dbSNP rs75280463, ClinGen allele CA7662180.

ClinVar aggregate classification (germline): Likely benign (1 of 4 stars; one submission).

Allele frequency attached by ClinVar (database versions not stated): TOPMed 0.00379; ESP Exome Variant Server 0.00524; gnomAD exomes 0.00601; 1000 Genomes Project 30x 0.00172; 1000 Genomes Project 0.00180; ExAC 0.00308; gnomAD 0.00346.
gnomAD v4.1: 9,364 of 1,614,058 alleles (0.58%); highest among the groups gnomAD compares: Non-Finnish European, 0.73%; 36 homozygotes.

Submission:

CeGaT Center for Human Genetics Tuebingen
Classification: Likely benign. Last evaluated: 2023-01-01. Review status: criteria provided, single submitter. Criteria: CeGaT Center For Human Genetics Tuebingen Variant Classification Criteria Version 2. Collection method: clinical testing. Allele origin: germline. Affected: yes. Observed: 1 variant allele.
Comment: SCAMP2: BP4, BS2